The following is an entry in ClinVar:

ClinVar aggregate classification (germline): Pathogenic. Review status: criteria provided, multiple submitters, no conflicts (2 of 4 stars). 3 submissions from 3 submitters: Pathogenic (3). Last evaluated 2023-06-06.

Conditions:
SKIN/HAIR/EYE PIGMENTATION 3, LIGHT/DARK SKIN (SHEP3). Also called: SKIN/HAIR/EYE PIGMENTATION 3, BLUE/GREEN EYE COLOR; SKIN/HAIR/EYE PIGMENTATION 3, FRECKLING; EYE COLOR 1; EYE COLOR, GREEN/BLUE; SKIN/HAIR/EYE PIGMENTATION, VARIATION IN, 3. Identifiers: MedGen C2677190, OMIM 601800.
Oculocutaneous albinism type 1A (OCA1A). Also called: Albinism, oculocutaneous, type IA. Identifiers: Orphanet 352731, Orphanet 79431, MedGen C4551504, MONDO:0008745, OMIM 203100. Disease mechanism: loss of function.
Oculocutaneous albinism type 1B (OCA1B). Also called: YELLOW ALBINISM; ALBINISM, OCULOCUTANEOUS, TYPE IB; ALBINISM, YELLOW MUTANT TYPE. Identifiers: Orphanet 352731, Orphanet 352737, Orphanet 79434, MedGen C1847024, MONDO:0011749, OMIM 606952.

Allele frequency attached by ClinVar (database versions not stated): gnomAD exomes below 0.00001.

Submissions (3):

Baylor Genetics
Classification: Pathogenic for SKIN/HAIR/EYE PIGMENTATION 3, LIGHT/DARK SKIN. Last evaluated: 2023-06-06. Review status: criteria provided, single submitter. Criteria: ACMG Guidelines, 2015. Collection method: clinical testing. Allele origin: unknown.

Labcorp Genetics (formerly Invitae), Labcorp
Classification: Pathogenic. Last evaluated: 2021-03-28. Review status: criteria provided, single submitter. Criteria: Invitae Variant Classification Sherloc (09022015). Collection method: clinical testing. Allele origin: germline.
Comment: For these reasons, this variant has been classified as Pathogenic. This variant has been observed in individual(s) with clinical features of oculocutaneous albinism (PMID: 24721949, 30472657). This variant is not present in population databases (ExAC no frequency). This sequence change creates a premature translational stop signal (p.Val74Trpfs*46) in the TYR gene. It is expected to result in an absent or disrupted protein product. Loss-of-function variants in TYR are known to be pathogenic (PMID: 23504663).

Juno Genomics, Hangzhou Juno Genomics, Inc
Classification: Pathogenic for Oculocutaneous albinism type 1A; Oculocutaneous albinism type 1B. Review status: criteria provided, single submitter. Criteria: ACMG Guidelines, 2015. Collection method: clinical testing. Allele origin: germline. Affected: yes.
Comment: Absent from controls (or at extremely low frequency if recessive) in Genome Aggregation Database, Exome Sequencing Project, 1000 Genomes Project, or Exome Aggregation Consortium.;Null variant in a gene where loss of function (LOF) is a known mechanism of disease.;For recessive disorders, detected in trans with a pathogenic variant.;Patient's phenotype or family history is highly specific for a disease with a single genetic etiology.

Literature cited by the submitters: PubMed 24721949 (cited by Labcorp Genetics (formerly Invitae), Labcorp); PubMed 30472657 (cited by Labcorp Genetics (formerly Invitae), Labcorp); PubMed 23504663 (cited by Labcorp Genetics (formerly Invitae), Labcorp).

NM_000372.5(TYR):c.216del (p.Val74fs)

Gene: TYR (tyrosinase; plus strand). Cytogenetic location: 11q14.3.
Variant type: Deletion.
Coding change: c.216del on transcript NM_000372.5 (MANE Select); coding-DNA position 216, one base deleted (A; older notation c.216delA).
Protein change: p.Val74fs; shifts the reading frame from valine 74.
Molecular consequence: frameshift variant.
Genome position (GRCh38, 1-based): chr11:89,178,169, A deleted. VCF-style (leftmost placement, unchanged base first): chr11-89178168-CA-C. GRCh37 (hg19) VCF-style: chr11-88911336-CA-C.
Other names: short protein forms V74fs.
Identifiers: ClinVar variation 1453014 (VCV001453014.11), dbSNP rs1565386406, ClinGen allele CA601191348.